The following is an entry in ClinVar:

NM_001655.5(ARCN1):c.1501A>T (p.Thr501Ser)

Gene: ARCN1 (archain 1 coat protein complex I subunit delta; plus strand). Cytogenetic location: 11q23.3.
Variant type: single nucleotide variant.
Coding change: c.1501A>T on transcript NM_001655.5 (MANE Select); coding-DNA position 1501, A replaced by T.
Protein change: p.Thr501Ser; replaces threonine 501 with serine.
Molecular consequence: missense variant.
Genome position (GRCh38, 1-based): chr11:118,600,679, A>T. VCF-style: chr11-118600679-A-T. GRCh37 (hg19) VCF-style: chr11-118471394-A-T.
Other names: c.1237A>T, p.Thr413Ser (NM_001142281.2); short protein forms T501S, T413S.
Identifiers: ClinVar variation 2109749 (VCV002109749.4), dbSNP rs2497740610, ClinGen allele CA382821217.

ClinVar aggregate classification (germline): Uncertain significance (1 of 4 stars; one submission).

Submission:

Labcorp Genetics (formerly Invitae), Labcorp
Classification: Uncertain significance. Last evaluated: 2022-03-15. Review status: criteria provided, single submitter. Criteria: Invitae Variant Classification Sherloc (09022015). Collection method: clinical testing. Allele origin: germline.
Comment: This sequence change replaces threonine, which is neutral and polar, with serine, which is neutral and polar, at codon 501 of the ARCN1 protein (p.Thr501Ser). This variant is not present in population databases (gnomAD no frequency). This variant has not been reported in the literature in individuals affected with ARCN1-related conditions. In summary, the available evidence is currently insufficient to determine the role of this variant in disease. Therefore, it has been classified as a Variant of Uncertain Significance. Algorithms developed to predict the effect of missense changes on protein structure and function (SIFT, PolyPhen-2, Align-GVGD) all suggest that this variant is likely to be tolerated.